The following is an entry in ClinVar:

ClinVar aggregate classification (germline): Uncertain significance. Review status: criteria provided, multiple submitters, no conflicts (2 of 4 stars). 2 submissions from 2 submitters: Uncertain significance (2). Last evaluated 2024-08-12.

Conditions:
Inborn genetic diseases. Identifiers: MedGen C0950123, MeSH D030342.

Allele frequency attached by ClinVar (database versions not stated): ExAC 0.00002; gnomAD 0.00002 and 0.00003; gnomAD exomes 0.00002; TOPMed 0.00002; 1000 Genomes Project 0.00020; 1000 Genomes Project 30x 0.00031.
gnomAD v4.1: 30 of 1,614,122 alleles (0.0019%); highest among the groups gnomAD compares: East Asian, 0.0067%; no homozygotes.

Submissions (2):

Ambry Genetics
Classification: Uncertain significance for Inborn genetic diseases. Last evaluated: 2024-08-12. Review status: criteria provided, single submitter. Criteria: Ambry Variant Classification Scheme 2023. Collection method: clinical testing. Allele origin: germline.

GeneDx
Classification: Uncertain significance. Last evaluated: 2019-07-10. Review status: criteria provided, single submitter. Criteria: GeneDx Variant Classification Process June 2021. Collection method: clinical testing. Allele origin: germline. Affected: yes.
Comment: In silico analysis, which includes protein predictors and evolutionary conservation, supports that this variant does not alter protein structure/function; Has not been previously published as pathogenic or benign to our knowledge

NM_001083961.2(WDR62):c.3576G>C (p.Arg1192Ser)

Gene: WDR62 (WD repeat domain 62; plus strand). Cytogenetic location: 19q13.12.
Variant type: single nucleotide variant.
Coding change: c.3576G>C on transcript NM_001083961.2 (MANE Select); coding-DNA position 3576, G replaced by C.
Protein change: p.Arg1192Ser; replaces arginine 1192 with serine.
Molecular consequence: missense variant.
Genome position (GRCh38, 1-based): chr19:36,103,404, G>C. VCF-style: chr19-36103404-G-C. GRCh37 (hg19) VCF-style: chr19-36594306-G-C.
Other names: c.3561G>C, p.Arg1187Ser (NM_173636.5); short protein forms R1187S, R1192S.
Identifiers: ClinVar variation 1308205 (VCV001308205.3), dbSNP rs201995586, ClinGen allele CA9396343.